The following is an entry in ClinVar:

ClinVar aggregate classification (germline): Uncertain significance (1 of 4 stars; one submission).

Submission:

Mayo Clinic Laboratories, Mayo Clinic
Classification: Uncertain significance. Last evaluated: 2025-08-08. Review status: criteria provided, single submitter. Criteria: ACMG Guidelines, 2015. Collection method: clinical testing. Allele origin: germline. Observed: 1 variant allele.
Comment: PP3_strong, PM2_supporting

NM_152296.5(ATP1A3):c.2537A>G (p.Gln846Arg)

Gene: ATP1A3 (ATPase Na+/K+ transporting subunit alpha 3; minus strand). Cytogenetic location: 19q13.2.
Variant type: single nucleotide variant.
Coding change: c.2537A>G on transcript NM_152296.5 (MANE Select); coding-DNA position 2537, A replaced by G.
Protein change: p.Gln846Arg; replaces glutamine 846 with arginine.
Molecular consequence: missense variant.
Genome position (GRCh38, 1-based): chr19:41,970,190, T>C on the plus strand (A>G on the coding strand, the complement: ATP1A3 is on the minus strand). VCF-style: chr19-41970190-T-C. GRCh37 (hg19) VCF-style: chr19-42474342-T-C.
Other names: p.Gln846Arg; c.2570A>G, p.Gln857Arg (NM_001256213.2); c.2576A>G, p.Gln859Arg (NM_001256214.2); short protein forms Q846R, Q859R, Q857R.
Identifiers: ClinVar variation 4542346 (VCV004542346.1).